The following is an entry in ClinVar:

ClinVar aggregate classification (germline): Uncertain significance (1 of 4 stars; one submission).

Conditions:
PNPT1-related disorder. Also called: PNPT1-related disorders; PNPT1-related condition.

gnomAD v4.1: 1 of 1,588,056 alleles (0.000063%); highest among the groups gnomAD compares: Non-Finnish European, 0.000086%; no homozygotes.

Submission:

PreventionGenetics, part of Exact Sciences
Classification: Uncertain significance for PNPT1-related condition. Last evaluated: 2025-03-07. Review status: criteria provided, single submitter. Criteria: ACMG Guidelines, 2015. Collection method: clinical testing. Allele origin: germline.
Comment: The PNPT1 c.310C>G variant is predicted to result in the amino acid substitution p.Gln104Glu. To our knowledge, this variant has not been reported in the literature or in a large population database (gnomAD), indicating this variant is rare. At this time, the clinical significance of this variant is uncertain due to the absence of conclusive functional and genetic evidence.

NM_033109.5(PNPT1):c.310C>G (p.Gln104Glu)

Gene: PNPT1 (polyribonucleotide nucleotidyltransferase 1; minus strand). Cytogenetic location: 2p16.1.
Variant type: single nucleotide variant.
Coding change: c.310C>G on transcript NM_033109.5 (MANE Select); coding-DNA position 310, C replaced by G.
Protein change: p.Gln104Glu; replaces glutamine 104 with glutamic acid.
Molecular consequence: missense variant.
Genome position (GRCh38, 1-based): chr2:55,685,036, G>C on the plus strand (C>G on the coding strand, the complement: PNPT1 is on the minus strand). VCF-style: chr2-55685036-G-C. GRCh37 (hg19) VCF-style: chr2-55912171-G-C.
Other names: short protein forms Q104E.
Identifiers: ClinVar variation 4997477 (VCV004997477.1).